The following is an entry in ClinVar:

ClinVar aggregate classification (germline): Uncertain significance. Review status: criteria provided, multiple submitters, no conflicts (2 of 4 stars). 2 submissions from 2 submitters: Uncertain significance (2). Last evaluated 2025-09-05.

Conditions:
Hereditary cancer-predisposing syndrome. Also called: Neoplastic Syndromes, Hereditary; Tumor predisposition; Hereditary neoplastic syndrome; Hereditary Cancer Syndrome. Identifiers: Orphanet 140162, MedGen C0027672, MeSH D009386, MONDO:0015356.

Submissions (2):

Ambry Genetics
Classification: Uncertain significance for Hereditary cancer-predisposing syndrome. Last evaluated: 2025-09-05. Review status: criteria provided, single submitter. Criteria: Ambry Variant Classification Scheme 2023. Collection method: clinical testing. Allele origin: germline.
Comment: The c.4552-1G>A intronic variant results from a G to A substitution one nucleotide upstream from coding exon 36 of the POLE gene. Alterations that disrupt the canonical splice site are expected to result in aberrant splicing. In silico splice site analysis predicts that this alteration will weaken the native splice acceptor site and will result in the creation or strengthening of a novel splice acceptor site. A resulting transcript is predicted to be in-frame and is not expected to trigger nonsense-mediated mRNAdecay; although, direct evidence is unavailable. This nucleotide position is highly conserved in available vertebrate species. Based on the available evidence, the clinical significance of this variant remains unclear.

Blueprint Genetics
Classification: Uncertain significance. Last evaluated: 2023-05-17. Review status: criteria provided, single submitter. Criteria: ACMG Guidelines, 2015. Collection method: clinical testing. Allele origin: germline.

NM_006231.4(POLE):c.4552-1G>A

Gene: POLE (DNA polymerase epsilon, catalytic subunit; minus strand). Cytogenetic location: 12q24.33.
Variant type: single nucleotide variant.
Coding change: c.4552-1G>A on transcript NM_006231.4 (MANE Select); the canonical splice acceptor site of the intron before coding-DNA position 4552, G replaced by A.
Molecular consequence: splice acceptor variant.
Genome position (GRCh38, 1-based): chr12:132,642,997, C>T on the plus strand (G>A on the coding strand, the complement: POLE is on the minus strand). VCF-style: chr12-132642997-C-T. GRCh37 (hg19) VCF-style: chr12-133219583-C-T.
Identifiers: ClinVar variation 4141217 (VCV004141217.2).
Genomic context (GRCh38, chr12:132,642,997, plus strand): 5'-GAGGAGGCCGTGCTCTGCTGAGTACAGGGCGCCAAGGCTGGGCATCTGGTTGCTGCGCAC[C>T]TAGACCAACGCAGGCCACGTCAGCCTCCCCCTGCGCAGGAGGAAGTGGGGGCAGCCCTGG-3'